The following is an entry in ClinVar:

NM_001142.2(AMELX):c.47C>A (p.Ala16Asp)

Genes: AMELX (amelogenin X-linked; plus strand), ARHGAP6 (Rho GTPase activating protein 6; minus strand). Cytogenetic location: Xp22.2.
Variant type: single nucleotide variant.
Coding change: c.47C>A on transcript NM_001142.2 (MANE Select); coding-DNA position 47, C replaced by A.
Protein change: p.Ala16Asp; replaces alanine 16 with aspartic acid.
Molecular consequence: missense variant. On other transcripts: intron variant (3).
Genome position (GRCh38, 1-based): chrX:11,294,835, C>A. VCF-style: chrX-11294835-C-A. GRCh37 (hg19) VCF-style: chrX-11312955-C-A.
Other names: c.47C>A, p.Ala16Asp (NM_182680.1, NM_182681.1); c.589-40128G>T (NM_013427.3, NM_006125.3); c.49-40128G>T (NM_001287242.2); short protein forms A16D.
Identifiers: ClinVar variation 2445234 (VCV002445234.2), dbSNP rs2518744193, ClinGen allele CA412056364.
Genomic context (GRCh38, chrX:11,294,835, plus strand): 5'-AGAACCATCAAGAAATGGGGACCTGGATTTTATTTGCCTGCCTCCTGGGAGCAGCTTTTG[C>A]CATGCCTGTGAGTAAAACACCCCTTGCATAAGTCAGTGTCCAATTTCACAAACTTGGACA-3'
Protein context (NP_001133.1, residues 6-26): LFACLLGAAF[Ala16Asp]MPLPPHPGHP

ClinVar aggregate classification (germline): Conflicting classifications of pathogenicity. Review status: criteria provided, conflicting classifications (1 of 4 stars). 2 submissions from 2 submitters: Likely pathogenic (1); Uncertain significance (1). Last evaluated 2025-07-26.

Conditions:
Amelogenesis imperfecta type 1E. Also called: Amelogenesis Imperfecta, Hypoplastic/Hypomaturation, X-Linked 1; ENAMEL HYPOPLASIA, X-LINKED 1; Amelogenesis imperfecta X-linked 1; Enamel hypoplasia X-linked; Amelogenesis imperfecta, hypomaturation type, with snow-capped teeth. Identifiers: Orphanet 88661, MedGen C1845053, MONDO:0010521, OMIM 301200. Disease mechanism: loss of function.
AMELX-related disorder. Also called: AMELX-related condition.

Submissions (2):

PreventionGenetics, part of Exact Sciences
Classification: Uncertain significance for AMELX-related condition. Last evaluated: 2025-07-26. Review status: criteria provided, single submitter. Criteria: ACMG Guidelines, 2015. Collection method: clinical testing. Allele origin: germline.
Comment: The AMELX c.47C>A variant is predicted to result in the amino acid substitution p.Ala16Asp. This variant has not been reported in a large population database (gnomAD), indicating this variant is rare. Although we suspect that this variant may be pathogenic, at this time, the clinical significance of this variant is uncertain due to the absence of conclusive functional and genetic evidence.

Reference Center For Rare Oral And Dental Diseases, CRMR O-Rares, Hôpitaux Universitaires De Strasbourg
Classification: Likely pathogenic for Amelogenesis imperfecta type 1E. Last evaluated: 2023-03-01. Review status: criteria provided, single submitter. Criteria: ACMG Guidelines, 2015. Collection method: clinical testing. Allele origin: paternal. Affected: yes.